The following is an entry in ClinVar:

NM_001367624.2(ZNF469):c.11787T>C (p.Ser3929=)

Gene: ZNF469 (zinc finger protein 469; plus strand). Cytogenetic location: 16q24.2.
Variant type: single nucleotide variant.
Coding change: c.11787T>C on transcript NM_001367624.2 (MANE Select); coding-DNA position 11787, T replaced by C.
Protein change: p.Ser3929=; no amino-acid change (serine 3929 retained).
Molecular consequence: synonymous variant.
Genome position (GRCh38, 1-based): chr16:88,439,257, T>C. VCF-style: chr16-88439257-T-C. GRCh37 (hg19) VCF-style: chr16-88505665-T-C.
Identifiers: ClinVar variation 2858563 (VCV002858563.5), dbSNP rs1174280170, ClinGen allele CA497359763.

ClinVar aggregate classification (germline): Likely benign. Review status: criteria provided, multiple submitters, no conflicts (2 of 4 stars). 2 submissions from 2 submitters: Likely benign (2). Last evaluated 2026-06-01.

Allele frequency attached by ClinVar (database versions not stated): gnomAD exomes below 0.00001; TOPMed below 0.00001.
gnomAD v4.1: 3 of 1,550,456 alleles (0.00019%); highest among the groups gnomAD compares: Non-Finnish European, 0.00026%; no homozygotes.

Submissions (2):

CeGaT Center for Human Genetics Tuebingen
Classification: Likely benign. Last evaluated: 2026-06-01. Review status: criteria provided, single submitter. Criteria: CeGaT Center For Human Genetics Tuebingen Variant Classification Criteria Version 2. Collection method: clinical testing. Allele origin: germline. Affected: yes. Observed: 1 variant allele.
Comment: ZNF469: BP4, BP7

Labcorp Genetics (formerly Invitae), Labcorp
Classification: Likely benign. Last evaluated: 2025-10-18. Review status: criteria provided, single submitter. Criteria: Invitae Variant Classification Sherloc (09022015). Collection method: clinical testing. Allele origin: germline.